The following is an entry in ClinVar:

NM_001267550.2(TTN):c.67354C>T (p.Pro22452Ser)

Genes: TTN (titin; minus strand), TTN-AS1 (TTN antisense RNA 1; plus strand). Cytogenetic location: 2q31.2.
Variant type: single nucleotide variant.
Coding change: c.67354C>T on transcript NM_001267550.2 (MANE Select); coding-DNA position 67354, C replaced by T.
Protein change: p.Pro22452Ser; replaces proline 22452 with serine.
Molecular consequence: missense variant.
Genome position (GRCh38, 1-based): chr2:178,579,843, G>A on the plus strand (C>T on the coding strand, the complement: TTN is on the minus strand). VCF-style: chr2-178579843-G-A. GRCh37 (hg19) VCF-style: chr2-179444570-G-A.
Other names: c.62431C>T, p.Pro20811Ser (NM_001256850.1); c.40159C>T, p.Pro13387Ser (NM_003319.4); c.59650C>T, p.Pro19884Ser (NM_133378.4); c.40534C>T, p.Pro13512Ser (NM_133432.3); c.40735C>T, p.Pro13579Ser (NM_133437.4); short protein forms P13387S, P13579S, P19884S, P13512S, P20811S, P22452S.
Identifiers: ClinVar variation 1737051 (VCV001737051.2), dbSNP rs760822987, ClinGen allele CA60957193.
Genomic context (GRCh38, chr2:178,579,843, plus strand): 5'-AGCCAATGCTACAGGATGACTTAGATACAGACCTCACTTTCAGGTCCACAACTGGTCCAG[G>A]AGTTTCTAAAGCAAAGGAGAAATGATAAGTGTAAGCCCCATATAACAAAGGAAGGATATA-3'
Protein context (NP_001254479.2, residues 22442-22462): TRDAVKASQT[Pro22452Ser]GPVVDLKVRS

ClinVar aggregate classification (germline): Uncertain significance (1 of 4 stars; one submission).

Conditions:
Cardiovascular phenotype. Identifiers: MedGen CN230736.

Allele frequency attached by ClinVar (database versions not stated): gnomAD 0.00001.
gnomAD v4.1: 23 of 1,612,676 alleles (0.0014%); highest among the groups gnomAD compares: Non-Finnish European, 0.0019%; no homozygotes.

Submission:

Ambry Genetics
Classification: Uncertain significance for Cardiovascular phenotype. Last evaluated: 2018-12-26. Review status: criteria provided, single submitter. Criteria: Ambry Variant Classification Scheme 2023. Collection method: clinical testing. Allele origin: germline.
Comment: The p.P13387S variant (also known as c.40159C>T), located in coding exon 146 of the TTN gene, results from a C to T substitution at nucleotide position 40159. The proline at codon 13387 is replaced by serine, an amino acid with similar properties. This amino acid position is highly conserved in available vertebrate species. In addition, this alteration is predicted to be probably damaging and unknown by PolyPhen and SIFT in silico analyses, respectively. Since supporting evidence is limited at this time, the clinical significance of this alteration remains unclear.